The following is an entry in ClinVar:

ClinVar aggregate classification (germline): Pathogenic. Review status: criteria provided, multiple submitters, no conflicts (2 of 4 stars). 2 submissions from 2 submitters: Pathogenic (2). Last evaluated 2022-04-25.

Conditions:
Polycystic kidney disease, adult type (PKD1). Also called: POLYCYSTIC KIDNEY DISEASE, ADULT, TYPE I; Polycystic Kidney, Autosomal Dominant; POLYCYSTIC KIDNEY DISEASE 1 WITH OR WITHOUT POLYCYSTIC LIVER DISEASE; Polycystic Kidney Disease 1, Autosomal Dominant; Polycystic kidney disease 1; Polycystic kidney disease 1, severe. Identifiers: MedGen C3149841, MONDO:0008263, OMIM 173900.

Submissions (2):

GeneDx
Classification: Pathogenic. Last evaluated: 2022-04-25. Review status: criteria provided, single submitter. Criteria: GeneDx Variant Classification Process June 2021. Collection method: clinical testing. Allele origin: germline. Affected: yes.
Comment: Frameshift variant predicted to result in protein truncation or nonsense mediated decay in a gene for which loss-of-function is a known mechanism of disease; Not observed at significant frequency in large population cohorts (gnomAD); Has not been previously published as pathogenic or benign to our knowledge

Juno Genomics, Hangzhou Juno Genomics, Inc
Classification: Pathogenic for Polycystic kidney disease, adult type. Review status: criteria provided, single submitter. Criteria: ACMG Guidelines, 2015. Collection method: clinical testing. Allele origin: germline. Affected: yes.
Comment: Absent from controls (or at extremely low frequency if recessive) in Genome Aggregation Database, Exome Sequencing Project, 1000 Genomes Project, or Exome Aggregation Consortium.;Null variant in a gene where loss of function (LOF) is a known mechanism of disease.;Patient's phenotype or family history is highly specific for a disease with a single genetic etiology.

NM_001009944.3(PKD1):c.10524dup (p.Glu3509fs)

Genes: PKD1 (polycystin 1, transient receptor potential channel interacting; minus strand), PKD1-AS1 (PKD1 antisense RNA 1; plus strand). Cytogenetic location: 16p13.3.
Variant type: Duplication.
Coding change: c.10524dup on transcript NM_001009944.3 (MANE Select); coding-DNA position 10524, one base duplicated (A; older notation c.10524dupA).
Protein change: p.Glu3509fs; shifts the reading frame from glutamic acid 3509.
Molecular consequence: frameshift variant.
Genome position (GRCh38, 1-based): chr16:2,094,186, T duplicated on the plus strand (A on the coding strand, the reverse complement: PKD1 is on the minus strand). VCF-style (leftmost placement, unchanged base first): chr16-2094185-C-CT. GRCh37 (hg19) VCF-style: chr16-2144186-C-CT.
Other names: c.10521dup, p.Glu3508fs (NM_000296.4); short protein forms E3508fs, E3509fs.
Identifiers: ClinVar variation 1683895 (VCV001683895.3), dbSNP rs2151710478, ClinGen allele CA2573151953.
Genomic context (GRCh38, chr16:2,094,185, plus strand): 5'-CCCAGTTCAGGCCTGGGCTGGGTGGCCCCAGCTCCCCCAGCCTCTGCAGCGCCAGCGTCT[C>CT]TGTCTTCTCCCCAGGAGTGCTGGACCTGAGGGACATGGTAGGCTGTGAATTCATCCCGGC-3'